The following is an entry in ClinVar:

ClinVar aggregate classification (germline): Uncertain significance. Review status: criteria provided, multiple submitters, no conflicts (2 of 4 stars). 2 submissions from 2 submitters: Uncertain significance (2). Last evaluated 2024-03-14.

Conditions:
Fraser syndrome 2 (FRASRS2). Identifiers: MedGen C4540036, MONDO:0054738, OMIM 617666.
Isolated cryptophthalmia. Also called: Cryptophthalmos, unilateral or bilateral, isolated; ANKYLOBLEPHARON, SIMPLE. Identifiers: Orphanet 91396, MedGen C1852453, MONDO:0007410, OMIM 123570.

Allele frequency attached by ClinVar (database versions not stated): ExAC 0.00001; gnomAD exomes 0.00001 and 0.00002; TOPMed 0.00001.
gnomAD v4.1: 6 of 1,613,342 alleles (0.00037%); highest among the groups gnomAD compares: Admixed American, 0.01%; no homozygotes.

Submissions (2):

Fulgent Genetics
Classification: Uncertain significance for Isolated cryptophthalmia; Fraser syndrome 2. Last evaluated: 2024-03-14. Review status: criteria provided, single submitter. Criteria: ACMG Guidelines, 2015. Collection method: clinical testing. Allele origin: germline.

Labcorp Genetics (formerly Invitae), Labcorp
Classification: Uncertain significance. Last evaluated: 2021-08-14. Review status: criteria provided, single submitter. Criteria: Invitae Variant Classification Sherloc (09022015). Collection method: clinical testing. Allele origin: germline.
Comment: This sequence change replaces aspartic acid with glycine at codon 2247 of the FREM2 protein (p.Asp2247Gly). The aspartic acid residue is highly conserved and there is a moderate physicochemical difference between aspartic acid and glycine. This variant is present in population databases (rs766949299, ExAC 0.009%). This variant has not been reported in the literature in individuals affected with FREM2-related conditions. Algorithms developed to predict the effect of missense changes on protein structure and function are either unavailable or do not agree on the potential impact of this missense change (SIFT: "Deleterious"; PolyPhen-2: "Probably Damaging"; Align-GVGD: "Class C0"). Algorithms developed to predict the effect of sequence changes on RNA splicing suggest that this variant may create or strengthen a splice site. In summary, the available evidence is currently insufficient to determine the role of this variant in disease. Therefore, it has been classified as a Variant of Uncertain Significance.

NM_207361.6(FREM2):c.6740A>G (p.Asp2247Gly)

Gene: FREM2 (FRAS1 related extracellular matrix 2; plus strand). Cytogenetic location: 13q13.3.
Variant type: single nucleotide variant.
Coding change: c.6740A>G on transcript NM_207361.6 (MANE Select); coding-DNA position 6740, A replaced by G.
Protein change: p.Asp2247Gly; replaces aspartic acid 2247 with glycine.
Molecular consequence: missense variant.
Genome position (GRCh38, 1-based): chr13:38,851,106, A>G. VCF-style: chr13-38851106-A-G. GRCh37 (hg19) VCF-style: chr13-39425243-A-G.
Other names: short protein forms D2247G.
Identifiers: ClinVar variation 1383098 (VCV001383098.6), dbSNP rs766949299, ClinGen allele CA6955659.